The following is an entry in ClinVar:

ClinVar aggregate classification (germline): Benign. Review status: criteria provided, single submitter (1 of 4 stars). 2 submissions from 2 submitters: Benign (1). 1 of the submissions does not count toward it. Last evaluated 2026-01-04.

Conditions:
HCFC1-related disorder. Also called: HCFC1-related condition.
Methylmalonic acidemia with homocystinuria, type cblX (MAHCX). Also called: INTELLECTUAL DEVELOPMENTAL DISORDER, X-LINKED 3. Identifiers: Orphanet 369962, MedGen C0796208, MONDO:0010657, OMIM 309541.

Allele frequency attached by ClinVar (database versions not stated): ExAC 0.00012.
gnomAD v4.1: 54 of 1,206,828 alleles (0.0045%); highest among the groups gnomAD compares: South Asian, 0.09%; no homozygotes.

Submissions (2):

Labcorp Genetics (formerly Invitae), Labcorp
Classification: Benign for Methylmalonic acidemia with homocystinuria, type cblX. Last evaluated: 2026-01-04. Review status: criteria provided, single submitter. Criteria: Invitae Variant Classification Sherloc (09022015). Collection method: clinical testing. Allele origin: germline.

PreventionGenetics, part of Exact Sciences
Classification: Likely benign for HCFC1-related condition. Last evaluated: 2019-07-17. Review status: no assertion criteria provided. Collection method: clinical testing. Allele origin: germline. Not counted in ClinVar's aggregate classification.
Comment: This variant is classified as likely benign based on ACMG/AMP sequence variant interpretation guidelines (Richards et al. 2015 PMID: 25741868, with internal and published modifications).

NM_005334.3(HCFC1):c.4158C>G (p.Thr1386=)

Gene: HCFC1 (host cell factor C1; minus strand). Cytogenetic location: Xq28.
Variant type: single nucleotide variant.
Coding change: c.4158C>G on transcript NM_005334.3 (MANE Select); coding-DNA position 4158, C replaced by G.
Protein change: p.Thr1386=; no amino-acid change (threonine 1386 retained).
Molecular consequence: synonymous variant.
Genome position (GRCh38, 1-based): chrX:153,954,241, G>C on the plus strand (C>G on the coding strand, the complement: HCFC1 is on the minus strand). VCF-style: chrX-153954241-G-C. GRCh37 (hg19) VCF-style: chrX-153219692-G-C.
Other names: c.4158C>G (NM_005334.2).
Identifiers: ClinVar variation 1601703 (VCV001601703.10), dbSNP rs782136932, ClinGen allele CA10557059.